The following is an entry in ClinVar:

ClinVar aggregate classification (germline): Likely benign. Review status: criteria provided, multiple submitters, no conflicts (2 of 4 stars). 3 submissions from 3 submitters: Likely benign (3). Last evaluated 2023-07-30.

Conditions:
Cardiovascular phenotype. Identifiers: MedGen CN230736.

gnomAD v4.1: 7 of 1,539,950 alleles (0.00045%); highest among the groups gnomAD compares: South Asian, 0.006%; no homozygotes.

Submissions (3):

Labcorp Genetics (formerly Invitae), Labcorp
Classification: Likely benign. Last evaluated: 2023-07-30. Review status: criteria provided, single submitter. Criteria: Invitae Variant Classification Sherloc (09022015). Collection method: clinical testing. Allele origin: germline.

CeGaT Center for Human Genetics Tuebingen
Classification: Likely benign. Last evaluated: 2022-04-01. Review status: criteria provided, single submitter. Criteria: CeGaT Center For Human Genetics Tuebingen Variant Classification Criteria Version 2. Collection method: clinical testing. Allele origin: germline. Affected: yes. Observed: 1 variant allele.
Comment: ZNF469: BP4, BP7

Ambry Genetics
Classification: Likely benign for Cardiovascular phenotype. Last evaluated: 2021-03-31. Review status: criteria provided, single submitter. Criteria: Ambry Variant Classification Scheme 2023. Collection method: clinical testing. Allele origin: germline.

NM_001367624.2(ZNF469):c.9594G>A (p.Ala3198=)

Gene: ZNF469 (zinc finger protein 469; plus strand). Cytogenetic location: 16q24.2.
Variant type: single nucleotide variant.
Coding change: c.9594G>A on transcript NM_001367624.2 (MANE Select); coding-DNA position 9594, G replaced by A.
Protein change: p.Ala3198=; no amino-acid change (alanine 3198 retained).
Molecular consequence: synonymous variant.
Genome position (GRCh38, 1-based): chr16:88,437,064, G>A. VCF-style: chr16-88437064-G-A. GRCh37 (hg19) VCF-style: chr16-88503472-G-A.
Other names: NM_001127464.1:c.9510G>A.
Identifiers: ClinVar variation 1767228 (VCV001767228.29), dbSNP rs1296585866, ClinGen allele CA497358650.